The following is an entry in ClinVar:

ClinVar aggregate classification (germline): Benign/Likely benign. Review status: criteria provided, multiple submitters, no conflicts (2 of 4 stars). 3 submissions from 3 submitters: Benign (1); Likely benign (1). 1 of the submissions does not count toward it. Last evaluated 2019-12-31.

Conditions:
ARV1-related disorder. Also called: ARV1-related condition. Identifiers: MedGen CN235539.

Allele frequency attached by ClinVar (database versions not stated): gnomAD exomes 0.00007 and 0.00025; ExAC 0.00029; ESP Exome Variant Server 0.00046; gnomAD 0.00089 and 0.00097; TOPMed 0.00095; 1000 Genomes Project 0.00120; 1000 Genomes Project 30x 0.00125.
gnomAD v4.1: 249 of 1,614,062 alleles (0.015%); highest among the groups gnomAD compares: African/African-American, 0.29%; no homozygotes.

Submissions (3):

Labcorp Genetics (formerly Invitae), Labcorp
Classification: Benign. Last evaluated: 2019-12-31. Review status: criteria provided, single submitter. Criteria: Invitae Variant Classification Sherloc (09022015). Collection method: clinical testing. Allele origin: germline.

Blueprint Genetics
Classification: Likely benign. Last evaluated: 2019-04-11. Review status: criteria provided, single submitter. Criteria: ACMG Guidelines, 2015. Collection method: clinical testing. Allele origin: germline.

PreventionGenetics, part of Exact Sciences
Classification: Likely benign for ARV1-related condition. Last evaluated: 2023-12-05. Review status: no assertion criteria provided. Collection method: clinical testing. Allele origin: germline. Not counted in ClinVar's aggregate classification.
Comment: This variant is classified as likely benign based on ACMG/AMP sequence variant interpretation guidelines (Richards et al. 2015 PMID: 25741868, with internal and published modifications).

NM_022786.3(ARV1):c.528C>T (p.Phe176=)

Gene: ARV1 (ARV1 fatty acid homeostasis modulator; plus strand). Cytogenetic location: 1q42.2.
Variant type: single nucleotide variant.
Coding change: c.528C>T on transcript NM_022786.3 (MANE Select); coding-DNA position 528, C replaced by T.
Protein change: p.Phe176=; no amino-acid change (phenylalanine 176 retained).
Molecular consequence: synonymous variant. On other transcripts: non-coding transcript variant (1).
Genome position (GRCh38, 1-based): chr1:230,995,839, C>T. VCF-style: chr1-230995839-C-T. GRCh37 (hg19) VCF-style: chr1-231131585-C-T.
Other names: c.627C>T, p.Phe209= (NM_001346992.2); c.528C>T (NM_022786.2).
Identifiers: ClinVar variation 742517 (VCV000742517.7), dbSNP rs35606565, ClinGen allele CA1450507.